The following is an entry in ClinVar:

NM_001077706.3(ECT2L):c.839A>G (p.Asp280Gly)

Gene: ECT2L (epithelial cell transforming 2 like; plus strand). Cytogenetic location: 6q24.1.
Variant type: single nucleotide variant.
Coding change: c.839A>G on transcript NM_001077706.3 (MANE Select); coding-DNA position 839, A replaced by G.
Protein change: p.Asp280Gly; replaces aspartic acid 280 with glycine.
Molecular consequence: missense variant.
Genome position (GRCh38, 1-based): chr6:138,846,613, A>G. VCF-style: chr6-138846613-A-G. GRCh37 (hg19) VCF-style: chr6-139167750-A-G.
Other names: c.839A>G, p.Asp280Gly (NM_001195037.2); short protein forms D280G.
Identifiers: ClinVar variation 134012 (VCV000134012.1), dbSNP rs142505459, ClinGen allele CA158414.

ClinVar aggregate classification (germline): not provided (0 of 4 stars; one submission).

Allele frequency attached by ClinVar (database versions not stated): gnomAD exomes 0.00014 and 0.00043; ExAC 0.00055; 1000 Genomes Project 30x 0.00094; 1000 Genomes Project 0.00100; gnomAD 0.00155 and 0.00164; ESP Exome Variant Server 0.00166; TOPMed 0.00179.
gnomAD v4.1: 452 of 1,611,646 alleles (0.028%); highest among the groups gnomAD compares: African/African-American, 0.5%; 2 homozygotes.

Submission:

ITMI
No classification provided. Condition: AllHighlyPenetrant. Last evaluated: 2013-09-19. Review status: no classification provided. Collection method: reference population. Allele origin: germline.
Comment: Please see associated publication for description of ethnicities

Literature cited by the submitters: PubMed 24728327.